The following is an entry in ClinVar:

NM_000868.4(HTR2C):c.385G>A (p.Val129Ile)

Gene: HTR2C (5-hydroxytryptamine receptor 2C; plus strand). Cytogenetic location: Xq23.
Variant type: single nucleotide variant.
Coding change: c.385G>A on transcript NM_000868.4 (MANE Select); coding-DNA position 385, G replaced by A.
Protein change: p.Val129Ile; replaces valine 129 with isoleucine.
Molecular consequence: missense variant.
Genome position (GRCh38, 1-based): chrX:114,848,038, G>A. VCF-style: chrX-114848038-G-A. GRCh37 (hg19) VCF-style: chrX-114082601-G-A.
Other names: c.385G>A, p.Val129Ile (NM_001256760.3, NM_001256761.3); short protein forms V129I.
Identifiers: ClinVar variation 3356452 (VCV003356452.1).

ClinVar aggregate classification (germline): Uncertain significance (0 of 4 stars; one submission).

Conditions:
HTR2C-related disorder. Also called: HTR2C-related condition.

Submission:

PreventionGenetics, part of Exact Sciences
Classification: Uncertain significance for HTR2C-related condition. Last evaluated: 2024-08-22. Review status: no assertion criteria provided. Collection method: clinical testing. Allele origin: germline.
Comment: The HTR2C c.385G>A variant is predicted to result in the amino acid substitution p.Val129Ile. To our knowledge, this variant has not been reported in the literature. This variant is reported in 0.0076% of alleles in individuals of African descent in gnomAD. At this time, the clinical significance of this variant is uncertain due to the absence of conclusive functional and genetic evidence.